The following is an entry in ClinVar:

ClinVar aggregate classification (germline): Uncertain significance (1 of 4 stars; one submission).

Conditions:
Cryptosporidiosis-chronic cholangitis-liver disease syndrome. Also called: IL21R immunodeficiency; Immunodeficiency type 56. Identifiers: Orphanet 357329, MedGen C3554687, MONDO:0014082, OMIM 615207.

Submission:

Labcorp Genetics (formerly Invitae), Labcorp
Classification: Uncertain significance for Cryptosporidiosis-chronic cholangitis-liver disease syndrome. Last evaluated: 2022-05-03. Review status: criteria provided, single submitter. Criteria: Invitae Variant Classification Sherloc (09022015). Collection method: clinical testing. Allele origin: germline.
Comment: This variant is not present in population databases (gnomAD no frequency). In summary, the available evidence is currently insufficient to determine the role of this variant in disease. Therefore, it has been classified as a Variant of Uncertain Significance. Algorithms developed to predict the effect of missense changes on protein structure and function (SIFT, PolyPhen-2, Align-GVGD) all suggest that this variant is likely to be tolerated. This variant has not been reported in the literature in individuals affected with IL21R-related conditions. This sequence change replaces arginine, which is basic and polar, with lysine, which is basic and polar, at codon 328 of the IL21R protein (p.Arg328Lys).

NM_181078.3(IL21R):c.983G>A (p.Arg328Lys)

Genes: IL21R (interleukin 21 receptor; plus strand), IL21R-AS1 (IL21R antisense RNA 1; minus strand), LOC130058712 (ATAC-STARR-seq lymphoblastoid active region 10626; plus strand). Cytogenetic location: 16p12.1.
Variant type: single nucleotide variant.
Coding change: c.983G>A on transcript NM_181078.3 (MANE Select); coding-DNA position 983, G replaced by A.
Protein change: p.Arg328Lys; replaces arginine 328 with lysine.
Molecular consequence: missense variant. On other transcripts: non-coding transcript variant (1).
Genome position (GRCh38, 1-based): chr16:27,448,649, G>A. VCF-style: chr16-27448649-G-A. GRCh37 (hg19) VCF-style: chr16-27459970-G-A.
Other names: c.983G>A, p.Arg328Lys (NM_021798.4); c.1049G>A, p.Arg350Lys (NM_181079.5); short protein forms R328K, R350K.
Identifiers: ClinVar variation 2132800 (VCV002132800.4), dbSNP rs2543389439, ClinGen allele CA395306948.
Genomic context (GRCh38, chr16:27,448,649, plus strand): 5'-CAGAGGTGCCCTCCACCCTGGAGGTGTACAGCTGCCACCCACCACGGAGCCCGGCCAAGA[G>A]GCTGCAGCTCACGGAGCTACAAGAACCAGCAGAGCTGGTGGAGTCTGACGGTGTGCCCAA-3'
Protein context (NP_851564.1, residues 318-338): SCHPPRSPAK[Arg328Lys]LQLTELQEPA